The following is an entry in ClinVar:

NM_001903.5(CTNNA1):c.2185_2190del (p.Phe729_Thr730del)

Gene: CTNNA1 (catenin alpha 1; plus strand). Cytogenetic location: 5q31.2.
Variant type: Deletion.
Coding change: c.2185_2190del on transcript NM_001903.5 (MANE Select); coding-DNA positions 2185 to 2190, 6 bases deleted (TTTACC; older notation c.2185_2190delTTTACC).
Protein change: p.Phe729_Thr730del.
Molecular consequence: inframe deletion.
Genome position (GRCh38, 1-based): chr5:138,930,647-138,930,652, TTTACC deleted; deleting any 6 consecutive bases within chr5:138,930,646-138,930,652 gives the same sequence; the c. name uses the placement nearest the transcript's 3' end. VCF-style (leftmost placement, unchanged base first): chr5-138930645-ACTTTAC-A. GRCh37 (hg19) VCF-style: chr5-138266334-ACTTTAC-A.
Other names: c.2185_2190del, p.Phe729_Thr730del (NM_001290307.3, NM_001323982.2, NM_001323983.1 and 2 more transcripts); c.1876_1881del, p.Phe626_Thr627del (NM_001290309.3); c.1816_1821del, p.Phe606_Thr607del (NM_001290310.3); c.1075_1080del, p.Phe359_Thr360del (NM_001290312.1, NM_001323987.1, NM_001323988.1 and 17 more transcripts); c.2092_2097del, p.Phe698_Thr699del (NM_001323986.2); c.736_741del, p.Phe246_Thr247del (NM_001324006.1, NM_001324007.1, NM_001324008.1 and 2 more transcripts); c.982_987del, p.Phe328_Thr329del (NM_001324011.1); c.832_837del, p.Phe278_Thr279del (NM_001324012.1, NM_001324013.1).
Identifiers: ClinVar variation 4075595 (VCV004075595.1).

ClinVar aggregate classification (germline): Uncertain significance (1 of 4 stars; one submission).

Submission:

GeneDx
Classification: Uncertain significance. Last evaluated: 2025-02-12. Review status: criteria provided, single submitter. Criteria: GeneDx Variant Classification Process June 2021. Collection method: clinical testing. Allele origin: germline. Affected: yes.
Comment: Not observed at significant frequency in large population cohorts (gnomAD); In-frame deletion of 2 amino acids in a non-repeat region; In silico analysis indicates that this variant does not alter protein structure/function; Has not been previously published as pathogenic or benign to our knowledge